The following is an entry in ClinVar:

ClinVar aggregate classification (germline): Uncertain significance (1 of 4 stars; one submission).

Conditions:
RYR1-related disorder. Also called: RYR1-related condition; RYR1-related disorders. Identifiers: MedGen CN239331.

gnomAD v4.1: 1 of 1,614,124 alleles (0.000062%); highest among the groups gnomAD compares: Non-Finnish European, 0.000085%; no homozygotes.

Submission:

Labcorp Genetics (formerly Invitae), Labcorp
Classification: Uncertain significance for RYR1-related disorder. Last evaluated: 2024-10-30. Review status: criteria provided, single submitter. Criteria: Invitae Variant Classification Sherloc (09022015). Collection method: clinical testing. Allele origin: germline.
Comment: This sequence change replaces isoleucine, which is neutral and non-polar, with asparagine, which is neutral and polar, at codon 1515 of the RYR1 protein (p.Ile1515Asn). This variant is not present in population databases (gnomAD no frequency). This variant has not been reported in the literature in individuals affected with RYR1-related conditions. Invitae Evidence Modeling of protein sequence and biophysical properties (such as structural, functional, and spatial information, amino acid conservation, physicochemical variation, residue mobility, and thermodynamic stability) indicates that this missense variant is expected to disrupt RYR1 protein function with a positive predictive value of 80%. In summary, the available evidence is currently insufficient to determine the role of this variant in disease. Therefore, it has been classified as a Variant of Uncertain Significance.

NM_000540.3(RYR1):c.4544T>A (p.Ile1515Asn)

Gene: RYR1 (ryanodine receptor 1; plus strand). Cytogenetic location: 19q13.2.
Variant type: single nucleotide variant.
Coding change: c.4544T>A on transcript NM_000540.3 (MANE Select); coding-DNA position 4544, T replaced by A.
Protein change: p.Ile1515Asn; replaces isoleucine 1515 with asparagine.
Molecular consequence: missense variant.
Genome position (GRCh38, 1-based): chr19:38,478,524, T>A. VCF-style: chr19-38478524-T-A. GRCh37 (hg19) VCF-style: chr19-38969164-T-A.
Other names: c.4544T>A, p.Ile1515Asn (NM_001042723.2); short protein forms I1515N.
Identifiers: ClinVar variation 3624494 (VCV003624494.2).
Genomic context (GRCh38, chr19:38,478,524, plus strand): 5'-GGGGCGGAGACTTTGTGAGTCCCGGGCAGCAGGGCCGGATCAGCCACACGGACCTTGTCA[T>A]TGGGTGCCTGGTGGACTTGGCCACTGGCTTAATGACCTTTACAGCCAATGGCAAAGAGAG-3'
Protein context (NP_000531.2, residues 1505-1525): QGRISHTDLV[Ile1515Asn]GCLVDLATGL